The following is an entry in ClinVar:

NC_000003.11:g.(?_4402828)_(4508967_?)dup

Gene: SUMF1 (sulfatase modifying factor 1; minus strand). Cytogenetic location: 3p26.1.
Variant type: Duplication.
Identifiers: ClinVar variation 1343757 (VCV001343757.1).

ClinVar aggregate classification (germline): Uncertain significance (1 of 4 stars; one submission).

Submission:

Women's Health and Genetics/Laboratory Corporation of America, LabCorp
Classification: Uncertain significance. Last evaluated: 2022-02-23. Review status: criteria provided, single submitter. Criteria: LabCorp Variant Classification Summary - May 2015. Collection method: clinical testing. Allele origin: germline.
Comment: Variant summary: The variant identified by MLPA or other technology involves the duplication of exons 1-9 (whole SUMF1 gene) in the SUMF1 gene. A presumed nomenclature of c.(?_-38)_(*1000_?)dup has been designated for the purposes of this classification. It has been assumed that this is a tandem duplication in direct orientation (Richardson_GIM_2018, Newman_AJHG_2015). Although exact breakpoints of this duplication are not known, it is expected to result in a duplication of the full coding sequence of the SUMF1 gene. The variant allele was found at a frequency of 4.6e-05 in 21694 control chromosomes (gnomAD database, Structural Variants dataset). The available data on variant occurrences in the general population are insufficient to allow any conclusion about variant significance. To our knowledge, no occurrence of c.(?_-38)_(*1000_?)dup in individuals affected with Multiple Sulfatase Deficiency and no experimental evidence demonstrating its impact on protein function have been reported. No clinical diagnostic laboratories have submitted clinical-significance assessments for this variant to ClinVar after 2014. Based on the evidence outlined above, the variant was classified as uncertain significance.